The following is an entry in ClinVar:

NM_002907.4(RECQL):c.741C>T (p.Asn247=)

Gene: RECQL (RecQ like helicase; minus strand). Cytogenetic location: 12p12.1.
Variant type: single nucleotide variant.
Coding change: c.741C>T on transcript NM_002907.4 (MANE Select); coding-DNA position 741, C replaced by T.
Protein change: p.Asn247=; no amino-acid change (asparagine 247 retained).
Molecular consequence: synonymous variant.
Genome position (GRCh38, 1-based): chr12:21,477,929, G>A on the plus strand (C>T on the coding strand, the complement: RECQL is on the minus strand). VCF-style: chr12-21477929-G-A. GRCh37 (hg19) VCF-style: chr12-21630863-G-A.
Other names: c.741C>T (NM_002907.3); c.741C>T, p.Asn247= (NM_032941.3).
Identifiers: ClinVar variation 1139016 (VCV001139016.12), dbSNP rs148490073, ClinGen allele CA6478981.
Genomic context (GRCh38, chr12:21,477,929, plus strand): 5'-TTTCTGAGCATCCGTCAAAACGTGATTTGTTGCAGTTGCAGTCAGCCCAATTAGTGATGC[G>A]TTAGGGAACTGCCGCTTTAAGATACCAAGTGCCTTATAATCTGAAAAAACAAACAAAGTG-3'
Protein context (NP_002898.2, residues 237-257): ALGILKRQFP[Asn247=]ASLIGLTATA

ClinVar aggregate classification (germline): Likely benign. Review status: criteria provided, multiple submitters, no conflicts (2 of 4 stars). 3 submissions from 3 submitters: Likely benign (2). 1 of the submissions does not count toward it. Last evaluated 2026-01-23.

Conditions:
RECQL-related disorder. Also called: RECQL-related condition.

Allele frequency attached by ClinVar (database versions not stated): gnomAD 0.00005 and 0.00006; gnomAD exomes 0.00006 and 0.00007; TOPMed 0.00006; ExAC 0.00010; ESP Exome Variant Server 0.00015.
gnomAD v4.1: 112 of 1,612,176 alleles (0.0069%); highest among the groups gnomAD compares: Admixed American, 0.023%; no homozygotes.

Submissions (3):

Labcorp Genetics (formerly Invitae), Labcorp
Classification: Likely benign. Last evaluated: 2026-01-23. Review status: criteria provided, single submitter. Criteria: Invitae Variant Classification Sherloc (09022015). Collection method: clinical testing. Allele origin: germline.

Blueprint Genetics
Classification: Likely benign. Last evaluated: 2024-02-12. Review status: criteria provided, single submitter. Criteria: ACMG Guidelines, 2015. Collection method: clinical testing. Allele origin: germline.

PreventionGenetics, part of Exact Sciences
Classification: Likely benign for RECQL-related condition. Last evaluated: 2024-02-22. Review status: no assertion criteria provided. Collection method: clinical testing. Allele origin: germline. Not counted in ClinVar's aggregate classification.
Comment: This variant is classified as likely benign based on ACMG/AMP sequence variant interpretation guidelines (Richards et al. 2015 PMID: 25741868, with internal and published modifications).